The following is an entry in ClinVar:

NM_024741.3(ZNF408):c.1591G>A (p.Asp531Asn)

Gene: ZNF408 (zinc finger protein 408; plus strand). Cytogenetic location: 11p11.2.
Variant type: single nucleotide variant.
Coding change: c.1591G>A on transcript NM_024741.3 (MANE Select); coding-DNA position 1591, G replaced by A.
Protein change: p.Asp531Asn; replaces aspartic acid 531 with asparagine.
Molecular consequence: missense variant.
Genome position (GRCh38, 1-based): chr11:46,705,291, G>A. VCF-style: chr11-46705291-G-A. GRCh37 (hg19) VCF-style: chr11-46726841-G-A.
Other names: c.1567G>A, p.Asp523Asn (NM_001184751.2); c.1591G>A (NM_024741.2); short protein forms D523N, D531N.
Identifiers: ClinVar variation 1491415 (VCV001491415.8), dbSNP rs560055645, ClinGen allele CA5966609.
Genomic context (GRCh38, chr11:46,705,291, plus strand): 5'-CTGCGTGGGCATTTGCGGCTCCACACCGGGGAGCGTCCTTACCGCTGCCCACACTGTGCC[G>A]ATGCCTTCCCCCAGCTGCCTGAACTGCGGCGCCATCTCATCTCACACACCGGGGAGGCCC-3'
Protein context (NP_079017.1, residues 521-541): ERPYRCPHCA[Asp531Asn]AFPQLPELRR

ClinVar aggregate classification (germline): Uncertain significance. Review status: criteria provided, multiple submitters, no conflicts (2 of 4 stars). 2 submissions from 2 submitters: Uncertain significance (2). Last evaluated 2025-04-07.

Conditions:
Inborn genetic diseases. Identifiers: MedGen C0950123, MeSH D030342.

Allele frequency attached by ClinVar (database versions not stated): gnomAD exomes 0.00002 and 0.00004; ExAC 0.00004; gnomAD 0.00005 and 0.00006; TOPMed 0.00005.
gnomAD v4.1: 29 of 1,611,888 alleles (0.0018%); highest among the groups gnomAD compares: Middle Eastern, 0.016%; no homozygotes.

Submissions (2):

Ambry Genetics
Classification: Uncertain significance for Inborn genetic diseases. Last evaluated: 2025-04-07. Review status: criteria provided, single submitter. Criteria: Ambry Variant Classification Scheme 2023. Collection method: clinical testing. Allele origin: germline.

Labcorp Genetics (formerly Invitae), Labcorp
Classification: Uncertain significance. Last evaluated: 2024-04-15. Review status: criteria provided, single submitter. Criteria: Invitae Variant Classification Sherloc (09022015). Collection method: clinical testing. Allele origin: germline.
Comment: This sequence change replaces aspartic acid, which is acidic and polar, with asparagine, which is neutral and polar, at codon 531 of the ZNF408 protein (p.Asp531Asn). This variant is present in population databases (rs560055645, gnomAD 0.009%). This variant has not been reported in the literature in individuals affected with ZNF408-related conditions. ClinVar contains an entry for this variant (Variation ID: 1491415). Algorithms developed to predict the effect of missense changes on protein structure and function output the following: SIFT: "Not Available"; PolyPhen-2: "Possibly Damaging"; Align-GVGD: "Not Available". The asparagine amino acid residue is found in multiple mammalian species, which suggests that this missense change does not adversely affect protein function. In summary, the available evidence is currently insufficient to determine the role of this variant in disease. Therefore, it has been classified as a Variant of Uncertain Significance.